The following is an entry in ClinVar:

NM_000492.4(CFTR):c.3287T>G (p.Leu1096Arg)

Genes: CFTR (CF transmembrane conductance regulator; plus strand), CFTR-AS2 (CFTR antisense RNA 2; minus strand), LOC111674472 (DNase I hypersensitive sites in introns 16 and 17a of CFTR; plus strand). Cytogenetic location: 7q31.2.
Variant type: single nucleotide variant.
Coding change: c.3287T>G on transcript NM_000492.4 (MANE Select); coding-DNA position 3287, T replaced by G.
Protein change: p.Leu1096Arg; replaces leucine 1096 with arginine.
Molecular consequence: missense variant.
Genome position (GRCh38, 1-based): chr7:117,611,728, T>G. VCF-style: chr7-117611728-T-G. GRCh37 (hg19) VCF-style: chr7-117251782-T-G.
Other names: short protein forms L1096R.
Identifiers: ClinVar variation 3896680 (VCV003896680.2).

ClinVar aggregate classification (germline): Uncertain significance (1 of 4 stars; one submission).

gnomAD v4.1: 1 of 1,613,638 alleles (0.000062%); highest among the groups gnomAD compares: African/African-American, 0.0013%; no homozygotes.

Submission:

Women's Health and Genetics/Laboratory Corporation of America, LabCorp
Classification: Uncertain significance. Last evaluated: 2025-04-23. Review status: criteria provided, single submitter. Criteria: LabCorp Variant Classification Summary - May 2015. Collection method: clinical testing. Allele origin: germline.
Comment: Variant summary: CFTR c.3287T>G (p.Leu1096Arg) results in a non-conservative amino acid change in the encoded protein sequence. Five of five in-silico tools predict a damaging effect of the variant on protein function. The variant was absent in 251114 control chromosomes. The available data on variant occurrences in the general population are insufficient to allow any conclusion about variant significance. Although this variant has been reported in the literature as part of a complex allele c.[c.2901G>C;3287T>G], p.[Leu967Phe;Leu1096Arg], to our knowledge, no occurrence of c.3287T>G in isolation has been observed in individuals affected with Cystic Fibrosis and no experimental evidence demonstrating its impact on protein function have been reported. No submitters have cited clinical-significance assessments for this variant to ClinVar. Based on the evidence outlined above, the variant was classified as uncertain significance.